The following is an entry in ClinVar:

NM_000038.6(APC):c.4231A>T (p.Ser1411Cys)

Gene: APC (APC regulator of Wnt signaling pathway; plus strand). Cytogenetic location: 5q22.2.
Variant type: single nucleotide variant.
Coding change: c.4231A>T on transcript NM_000038.6 (MANE Select); coding-DNA position 4231, A replaced by T.
Protein change: p.Ser1411Cys; replaces serine 1411 with cysteine.
Molecular consequence: missense variant. On other transcripts: non-coding transcript variant (2).
Genome position (GRCh38, 1-based): chr5:112,839,825, A>T. VCF-style: chr5-112839825-A-T. GRCh37 (hg19) VCF-style: chr5-112175522-A-T.
Other names: c.4231A>T, p.Ser1411Cys (NM_001127510.3, NM_001354895.2, NM_001407450.1); c.4177A>T, p.Ser1393Cys (NM_001127511.3); c.4285A>T, p.Ser1429Cys (NM_001354896.2, NM_001407447.1, NM_001407448.1 and 1 more transcripts); c.4261A>T, p.Ser1421Cys (NM_001354897.2); c.4156A>T, p.Ser1386Cys (NM_001354898.2); c.4147A>T, p.Ser1383Cys (NM_001354899.2); c.4108A>T, p.Ser1370Cys (NM_001354900.2); c.4054A>T, p.Ser1352Cys (NM_001354901.2, NM_001407453.1); and 11 more; short protein forms S1386C, S1393C, S1401C, S1128C, S1282C, S1310C, S1352C, S1370C.
Identifiers: ClinVar variation 3882847 (VCV003882847.1).

ClinVar aggregate classification (germline): Uncertain significance (1 of 4 stars; one submission).

Conditions:
Hereditary cancer-predisposing syndrome. Also called: Tumor predisposition; Neoplastic Syndromes, Hereditary; Hereditary Cancer Syndrome; Hereditary neoplastic syndrome. Identifiers: Orphanet 140162, MedGen C0027672, MeSH D009386, MONDO:0015356.

Submission:

Ambry Genetics
Classification: Uncertain significance for Hereditary cancer-predisposing syndrome. Last evaluated: 2025-03-10. Review status: criteria provided, single submitter. Criteria: Ambry Variant Classification Scheme 2023. Collection method: clinical testing. Allele origin: germline.
Comment: The p.S1411C variant (also known as c.4231A>T), located in coding exon 15 of the APC gene, results from an A to T substitution at nucleotide position 4231. The serine at codon 1411 is replaced by cysteine, an amino acid with dissimilar properties. This amino acid position is conserved. In addition, in silico predictors for this gene do not accurately predict pathogenicity. Based on the available evidence, the clinical significance of this variant remains unclear.